The following is an entry in ClinVar:

NM_006944.3(SPP2):c.398G>A (p.Arg133His)

Gene: SPP2 (secreted phosphoprotein 2; plus strand). Cytogenetic location: 2q37.1.
Variant type: single nucleotide variant.
Coding change: c.398G>A on transcript NM_006944.3 (MANE Select); coding-DNA position 398, G replaced by A.
Protein change: p.Arg133His; replaces arginine 133 with histidine.
Molecular consequence: missense variant.
Genome position (GRCh38, 1-based): chr2:234,060,433, G>A. VCF-style: chr2-234060433-G-A. GRCh37 (hg19) VCF-style: chr2-234969077-G-A.
Other names: c.398G>A (NM_006944.2); short protein forms R133H.
Identifiers: ClinVar variation 3027535 (VCV003027535.4), dbSNP rs376262894, ClinGen allele CA2183183.

ClinVar aggregate classification (germline): Conflicting classifications of pathogenicity. Review status: criteria provided, conflicting classifications (1 of 4 stars). 3 submissions from 3 submitters: Uncertain significance (1); Benign (1); Likely benign (1). Last evaluated 2024-11-13.

Conditions:
Retinal dystrophy. Also called: Inherited retinal dystrophy. Identifiers: Orphanet 71862, MedGen C0854723, MeSH D058499, MONDO:0019118, HP:0000556.

gnomAD v4.1: 127 of 1,613,270 alleles (0.0079%); highest among the groups gnomAD compares: East Asian, 0.22%; 1 homozygote.

Submissions (3):

Labcorp Genetics (formerly Invitae), Labcorp
Classification: Uncertain significance. Last evaluated: 2024-11-13. Review status: criteria provided, single submitter. Criteria: Invitae Variant Classification Sherloc (09022015). Collection method: clinical testing. Allele origin: germline.
Comment: This sequence change replaces arginine, which is basic and polar, with histidine, which is basic and polar, at codon 133 of the SPP2 protein (p.Arg133His). This variant is present in population databases (rs376262894, gnomAD 0.03%). This variant has not been reported in the literature in individuals affected with SPP2-related conditions. ClinVar contains an entry for this variant (Variation ID: 3027535). An algorithm developed to predict the effect of missense changes on protein structure and function outputs the following: PolyPhen-2: "Benign". The histidine amino acid residue is found in multiple mammalian species, which suggests that this missense change does not adversely affect protein function. In summary, the available evidence is currently insufficient to determine the role of this variant in disease. Therefore, it has been classified as a Variant of Uncertain Significance.

Ambry Genetics
Classification: Likely benign. Last evaluated: 2024-03-30. Review status: criteria provided, single submitter. Criteria: Ambry Variant Classification Scheme 2023. Collection method: clinical testing. Allele origin: germline.

Dept Of Ophthalmology, Nagoya University
Classification: Benign for Retinal dystrophy. Last evaluated: 2023-10-01. Review status: criteria provided, single submitter. Criteria: Submitter's publication. Collection method: research. Allele origin: germline. Affected: yes.